The following is an entry in ClinVar:

NM_032638.5(GATA2):c.297C>G (p.Asp99Glu)

Gene: GATA2 (GATA binding protein 2; minus strand). Cytogenetic location: 3q21.3.
Variant type: single nucleotide variant.
Coding change: c.297C>G on transcript NM_032638.5 (MANE Select); coding-DNA position 297, C replaced by G.
Protein change: p.Asp99Glu; replaces aspartic acid 99 with glutamic acid.
Molecular consequence: missense variant.
Genome position (GRCh38, 1-based): chr3:128,486,301, G>C on the plus strand (C>G on the coding strand, the complement: GATA2 is on the minus strand). VCF-style: chr3-128486301-G-C. GRCh37 (hg19) VCF-style: chr3-128205144-G-C.
Other names: c.297C>G, p.Asp99Glu (NM_001145661.2, NM_001145662.1); c.297C>G (NM_032638.4); short protein forms D99E.
Identifiers: ClinVar variation 1035562 (VCV001035562.11), dbSNP rs1411693599, ClinGen allele CA354407510.

ClinVar aggregate classification (germline): Uncertain significance. Review status: criteria provided, multiple submitters, no conflicts (2 of 4 stars). 4 submissions from 4 submitters: Uncertain significance (4). Last evaluated 2025-08-14.

Conditions:
Acute myeloid leukemia (AML). Also called: Acute myeloid leukemia, adult; AML adult; Acute non-lymphocytic leukemia; Acute granulocytic leukemia; Leukemia, acute myelogenous, somatic; Leukemia, acute myeloid, somatic. Identifiers: Orphanet 519, MedGen C0023467, MeSH D015470, MONDO:0018874, OMIM 601626, HP:0004808. Disease mechanism: Constitutively activated FLT3.
Inborn genetic diseases. Identifiers: MedGen C0950123, MeSH D030342.
Deafness-lymphedema-leukemia syndrome. Also called: Lymphedema, primary, with myelodysplasia; Emberger syndrome. Identifiers: Orphanet 3226, MedGen C3279664, MONDO:0013540, OMIM 614038.
Monocytopenia with susceptibility to infections. Also called: Dendritic cell, monocyte, B lymphocyte, and natural killer lymphocyte deficiency; MONOCYTOPENIA AND MYCOBACTERIAL INFECTION SYNDROME; MONOCYTOPENIA WITH SUSCEPTIBILITY TO MYCOBACTERIAL, FUNGAL, AND PAPILLOMAVIRUS INFECTIONS AND MYELODYSPLASIA; COMBINED IMMUNODEFICIENCY WITH SUSCEPTIBILITY TO MYCOBACTERIAL, VIRAL, AND FUNGAL INFECTIONS; GATA2 DEFICIENCY; IMMUNODEFICIENCY 21. Identifiers: Orphanet 228423, MedGen C3280030, MONDO:0013607, OMIM 614172.

Allele frequency attached by ClinVar (database versions not stated): gnomAD 0.00001; TOPMed 0.00001.
gnomAD v4.1: 1 of 1,591,286 alleles (0.000063%); highest among the groups gnomAD compares: African/African-American, 0.0013%; no homozygotes.

Submissions (4):

Labcorp Genetics (formerly Invitae), Labcorp
Classification: Uncertain significance for Monocytopenia with susceptibility to infections; Deafness-lymphedema-leukemia syndrome. Last evaluated: 2025-08-14. Review status: criteria provided, single submitter. Criteria: Invitae Variant Classification Sherloc (09022015). Collection method: clinical testing. Allele origin: germline.
Comment: This sequence change replaces aspartic acid, which is acidic and polar, with glutamic acid, which is acidic and polar, at codon 99 of the GATA2 protein (p.Asp99Glu). This variant is not present in population databases (gnomAD no frequency). This variant has not been reported in the literature in individuals affected with GATA2-related conditions. ClinVar contains an entry for this variant (Variation ID: 1035562). Invitae Evidence Modeling of protein sequence and biophysical properties (such as structural, functional, and spatial information, amino acid conservation, physicochemical variation, residue mobility, and thermodynamic stability) indicates that this missense variant is not expected to disrupt GATA2 protein function with a negative predictive value of 95%. In summary, the available evidence is currently insufficient to determine the role of this variant in disease. Therefore, it has been classified as a Variant of Uncertain Significance.

Ambry Genetics
Classification: Uncertain significance for Inborn genetic diseases. Last evaluated: 2025-06-27. Review status: criteria provided, single submitter. Criteria: Ambry Variant Classification Scheme 2023. Collection method: clinical testing. Allele origin: germline.
Comment: The p.D99E variant (also known as c.297C>G), located in coding exon 2 of the GATA2 gene, results from a C to G substitution at nucleotide position 297. The aspartic acid at codon 99 is replaced by glutamic acid, an amino acid with highly similar properties. This amino acid position is conserved. In addition, this alteration is predicted to be tolerated by in silico analysis. Based on the available evidence, the clinical significance of this variant remains unclear.

Baylor Genetics
Classification: Uncertain significance for Acute myeloid leukemia. Last evaluated: 2024-01-28. Review status: criteria provided, single submitter. Criteria: ACMG Guidelines, 2015. Collection method: clinical testing. Allele origin: unknown.

Blueprint Genetics
Classification: Uncertain significance. Last evaluated: 2022-11-12. Review status: criteria provided, single submitter. Criteria: ACMG Guidelines, 2015. Collection method: clinical testing. Allele origin: germline.